The following is an entry in ClinVar:

ClinVar aggregate classification (germline): Likely benign. Review status: criteria provided, multiple submitters, no conflicts (2 of 4 stars). 2 submissions from 2 submitters: Likely benign (2). Last evaluated 2025-08-19.

Conditions:
Familial melanoma. Also called: Hereditary cutaneous melanoma; Hereditary melanoma. Identifiers: Orphanet 618, MedGen C1512419, MONDO:0018961.
Melanoma-pancreatic cancer syndrome. Identifiers: Orphanet 404560, MedGen C1838547, MONDO:0011713, OMIM 606719. Disease mechanism: loss of function.

Submissions (2):

Myriad Genetics, Inc.
Classification: Likely benign for Melanoma-pancreatic cancer syndrome. Last evaluated: 2025-08-19. Review status: criteria provided, single submitter. Criteria: Myriad Autosomal Dominant, Autosomal Recessive and X-Linked Classification Criteria (2023). Collection method: clinical testing. Allele origin: unknown.
Comment: This variant is considered likely benign. This variant is intronic and is not expected to impact mRNA splicing.

Labcorp Genetics (formerly Invitae), Labcorp
Classification: Likely benign for Familial melanoma. Last evaluated: 2021-12-30. Review status: criteria provided, single submitter. Criteria: Invitae Variant Classification Sherloc (09022015). Collection method: clinical testing. Allele origin: germline.

NM_000077.5(CDKN2A):c.458-5T>C

Gene: CDKN2A (cyclin dependent kinase inhibitor 2A; minus strand). Cytogenetic location: 9p21.3.
Variant type: single nucleotide variant.
Coding change: c.458-5T>C on transcript NM_000077.5 (MANE Select); 5 bases into the intron before coding-DNA position 458, T replaced by C.
Molecular consequence: intron variant.
Genome position (GRCh38, 1-based): chr9:21,968,247, A>G on the plus strand (T>C on the coding strand, the complement: CDKN2A is on the minus strand). VCF-style: chr9-21968247-A-G. GRCh37 (hg19) VCF-style: chr9-21968246-A-G.
Other names: c.305-5T>C (NM_001363763.2); c.*102-5T>C (NM_058195.4); c.*151-5T>C (NM_001195132.2); c.*381-5T>C (NM_058197.5).
Identifiers: ClinVar variation 2067033 (VCV002067033.5), dbSNP rs2489260721, ClinGen allele CA2580080295.